The following is an entry in ClinVar:

NM_182914.3(SYNE2):c.18874G>C (p.Glu6292Gln)

Gene: SYNE2 (spectrin repeat containing nuclear envelope protein 2; plus strand). Cytogenetic location: 14q23.2.
Variant type: single nucleotide variant.
Coding change: c.18874G>C on transcript NM_182914.3 (MANE Select); coding-DNA position 18874, G replaced by C.
Protein change: p.Glu6292Gln; replaces glutamic acid 6292 with glutamine.
Molecular consequence: missense variant.
Genome position (GRCh38, 1-based): chr14:64,212,823, G>C. VCF-style: chr14-64212823-G-C. GRCh37 (hg19) VCF-style: chr14-64679541-G-C.
Other names: c.18874G>C, p.Glu6292Gln (NM_015180.6); short protein forms E6292Q.
Identifiers: ClinVar variation 3667986 (VCV003667986.2).

ClinVar aggregate classification (germline): Uncertain significance (1 of 4 stars; one submission).

Conditions:
Emery-Dreifuss muscular dystrophy 5, autosomal dominant (EDMD5). Also called: EMERY-DREIFUSS MUSCULAR DYSTROPHY 5. Identifiers: Orphanet 261, MedGen C2751805, MONDO:0013072, OMIM 612999.

gnomAD v4.1: 4 of 1,614,204 alleles (0.00025%); highest among the groups gnomAD compares: Non-Finnish European, 0.00034%; no homozygotes.

Submission:

Labcorp Genetics (formerly Invitae), Labcorp
Classification: Uncertain significance for Emery-Dreifuss muscular dystrophy 5, autosomal dominant. Last evaluated: 2025-02-10. Review status: criteria provided, single submitter. Criteria: Invitae Variant Classification Sherloc (09022015). Collection method: clinical testing. Allele origin: germline.
Comment: This sequence change replaces glutamic acid, which is acidic and polar, with glutamine, which is neutral and polar, at codon 6292 of the SYNE2 protein (p.Glu6292Gln). This variant is not present in population databases (gnomAD no frequency). This variant has not been reported in the literature in individuals affected with SYNE2-related conditions. An algorithm developed to predict the effect of missense changes on protein structure and function (PolyPhen-2) suggests that this variant is likely to be disruptive. In summary, the available evidence is currently insufficient to determine the role of this variant in disease. Therefore, it has been classified as a Variant of Uncertain Significance.